The following is an entry in ClinVar:

NM_004260.4(RECQL4):c.2012C>T (p.Pro671Leu)

Gene: RECQL4 (RecQ like helicase 4; minus strand). Cytogenetic location: 8q24.3.
Variant type: single nucleotide variant.
Coding change: c.2012C>T on transcript NM_004260.4 (MANE Select); coding-DNA position 2012, C replaced by T.
Protein change: p.Pro671Leu; replaces proline 671 with leucine.
Molecular consequence: missense variant.
Genome position (GRCh38, 1-based): chr8:144,513,974, G>A on the plus strand (C>T on the coding strand, the complement: RECQL4 is on the minus strand). VCF-style: chr8-144513974-G-A. GRCh37 (hg19) VCF-style: chr8-145739358-G-A.
Other names: c.2012C>T (NM_004260.3); short protein forms P671L.
Identifiers: ClinVar variation 1019002 (VCV001019002.3), dbSNP rs889029109, ClinGen allele CA187684390.

ClinVar aggregate classification (germline): Uncertain significance. Review status: criteria provided, multiple submitters, no conflicts (2 of 4 stars). 2 submissions from 2 submitters: Uncertain significance (2). Last evaluated 2025-09-19.

Conditions:
Inborn genetic diseases. Identifiers: MedGen C0950123, MeSH D030342.
Baller-Gerold syndrome (BGS). Also called: CRANIOSYNOSTOSIS WITH RADIAL DEFECTS. Identifiers: Orphanet 1225, MedGen C0265308, MONDO:0009039, OMIM 218600.

Allele frequency attached by ClinVar (database versions not stated): TOPMed below 0.00001; gnomAD 0.00001; gnomAD exomes 0.00001.
gnomAD v4.1: 9 of 1,564,066 alleles (0.00058%); highest among the groups gnomAD compares: Middle Eastern, 0.017%; no homozygotes.

Submissions (2):

Ambry Genetics
Classification: Uncertain significance for Inborn genetic diseases. Last evaluated: 2025-09-19. Review status: criteria provided, single submitter. Criteria: Ambry Variant Classification Scheme 2023. Collection method: clinical testing. Allele origin: germline.
Comment: The p.P671L variant (also known as c.2012C>T), located in coding exon 12 of the RECQL4 gene, results from a C to T substitution at nucleotide position 2012. The proline at codon 671 is replaced by leucine, an amino acid with similar properties. This amino acid position is conserved. In addition, this alteration is predicted to be deleterious by in silico analysis. Based on the available evidence, the clinical significance of this variant remains unclear.

Labcorp Genetics (formerly Invitae), Labcorp
Classification: Uncertain significance for Baller-Gerold syndrome. Last evaluated: 2022-05-05. Review status: criteria provided, single submitter. Criteria: Invitae Variant Classification Sherloc (09022015). Collection method: clinical testing. Allele origin: germline.
Comment: This sequence change replaces proline, which is neutral and non-polar, with leucine, which is neutral and non-polar, at codon 671 of the RECQL4 protein (p.Pro671Leu). This variant is not present in population databases (gnomAD no frequency). This variant has not been reported in the literature in individuals affected with RECQL4-related conditions. ClinVar contains an entry for this variant (Variation ID: 1019002). In summary, the available evidence is currently insufficient to determine the role of this variant in disease. Therefore, it has been classified as a Variant of Uncertain Significance.